The following is an entry in ClinVar:

ClinVar aggregate classification (germline): Uncertain significance. Review status: criteria provided, multiple submitters, no conflicts (2 of 4 stars). 2 submissions from 2 submitters: Uncertain significance (2). Last evaluated 2026-03-06.

Conditions:
MYO5B-related disorder. Also called: MYO5B-related condition.

Submissions (2):

PreventionGenetics, part of Exact Sciences
Classification: Uncertain significance for MYO5B-related condition. Last evaluated: 2026-03-06. Review status: criteria provided, single submitter. Criteria: ACMG Guidelines, 2015. Collection method: clinical testing. Allele origin: germline.
Comment: The MYO5B c.2848G>A variant is predicted to result in the amino acid substitution p.Val950Met. To our knowledge, this variant has not been reported in the literature. This variant is reported in 0.046% of alleles in individuals of East Asian descent in gnomAD. At this time, the clinical significance of this variant is uncertain due to the absence of conclusive functional and genetic evidence.

Labcorp Genetics (formerly Invitae), Labcorp
Classification: Uncertain significance. Last evaluated: 2024-02-11. Review status: criteria provided, single submitter. Criteria: Invitae Variant Classification Sherloc (09022015). Collection method: clinical testing. Allele origin: germline.
Comment: This sequence change replaces valine, which is neutral and non-polar, with methionine, which is neutral and non-polar, at codon 950 of the MYO5B protein (p.Val950Met). This variant is present in population databases (rs369390900, gnomAD 0.04%). This variant has not been reported in the literature in individuals affected with MYO5B-related conditions. Advanced modeling of protein sequence and biophysical properties (such as structural, functional, and spatial information, amino acid conservation, physicochemical variation, residue mobility, and thermodynamic stability) performed at Invitae indicates that this missense variant is not expected to disrupt MYO5B protein function with a negative predictive value of 80%. In summary, the available evidence is currently insufficient to determine the role of this variant in disease. Therefore, it has been classified as a Variant of Uncertain Significance.

NM_001080467.3(MYO5B):c.2848G>A (p.Val950Met)

Gene: MYO5B (myosin VB; minus strand). Cytogenetic location: 18q21.1.
Variant type: single nucleotide variant.
Coding change: c.2848G>A on transcript NM_001080467.3 (MANE Select); coding-DNA position 2848, G replaced by A.
Protein change: p.Val950Met; replaces valine 950 with methionine.
Molecular consequence: missense variant.
Genome position (GRCh38, 1-based): chr18:49,895,138, C>T on the plus strand (G>A on the coding strand, the complement: MYO5B is on the minus strand). VCF-style: chr18-49895138-C-T. GRCh37 (hg19) VCF-style: chr18-47421508-C-T.
Other names: c.2848G>A (NM_001080467.2); short protein forms V950M.
Identifiers: ClinVar variation 3719344 (VCV003719344.3).